The following is an entry in ClinVar:

ClinVar aggregate classification (germline): Uncertain significance. Review status: criteria provided, multiple submitters, no conflicts (2 of 4 stars). 5 submissions from 5 submitters: Uncertain significance (4). 1 of the submissions does not count toward it. Last evaluated 2025-04-25.

Conditions:
SDHA-related disorder. Also called: SDHA-related condition; SDHA-related disorders.
Mitochondrial complex II deficiency, nuclear type 1. Also called: SUCCINATE CoQ REDUCTASE DEFICIENCY. Identifiers: Orphanet 3208, MedGen C5700310, MONDO:0100294, OMIM 252011.
Pheochromocytoma/paraganglioma syndrome 5. Also called: Paragangliomas 5; SDHA-Related Hereditary Paraganglioma-Pheochromocytoma Syndrome. Identifiers: Orphanet 29072, MedGen C3279992, MONDO:0013602, OMIM 614165.
Hereditary cancer-predisposing syndrome. Also called: Neoplastic Syndromes, Hereditary; Tumor predisposition; Hereditary neoplastic syndrome; Hereditary Cancer Syndrome. Identifiers: Orphanet 140162, MedGen C0027672, MeSH D009386, MONDO:0015356.

Allele frequency attached by ClinVar (database versions not stated): gnomAD exomes 0.00001 and 0.00002.
gnomAD v4.1: 34 of 1,573,040 alleles (0.0022%); highest among the groups gnomAD compares: Non-Finnish European, 0.0029%; no homozygotes.

Submissions (5):

Quest Diagnostics Nichols Institute San Juan Capistrano
Classification: Uncertain significance. Last evaluated: 2025-04-25. Review status: criteria provided, single submitter. Criteria: Quest Diagnostics criteria. Collection method: clinical testing. Allele origin: unknown.
Comment: The SDHA c.1889T>C (p.Val630Ala) variant has not been reported in individuals with SDHA-related conditions in the published literature. The frequency of this variant in the general population (Genome Aggregation Database) is uninformative in the assessment of its pathogenicity. Analysis of this variant using a bioinformatics tool for the prediction of the effect of amino acid changes on protein structure and function yielded predictions that this variant is benign. Based on the available information, we are unable to determine the clinical significance of this variant.

Ambry Genetics
Classification: Uncertain significance for Hereditary cancer-predisposing syndrome. Last evaluated: 2025-04-20. Review status: criteria provided, single submitter. Criteria: Ambry Variant Classification Scheme 2023. Collection method: clinical testing. Allele origin: germline.
Comment: The p.V630A variant (also known as c.1889T>C), located in coding exon 14 of the SDHA gene, results from a T to C substitution at nucleotide position 1889. The valine at codon 630 is replaced by alanine, an amino acid with similar properties. This amino acid position is highly conserved in available vertebrate species. In addition, the in silico prediction for this alteration is inconclusive. Since supporting evidence is limited at this time, the clinical significance of this alteration remains unclear.

GeneDx
Classification: Uncertain significance. Last evaluated: 2023-11-15. Review status: criteria provided, single submitter. Criteria: GeneDx Variant Classification Process June 2021. Collection method: clinical testing. Allele origin: germline. Affected: yes.
Comment: Has not been previously published as pathogenic or benign to our knowledge; Not observed at significant frequency in large population cohorts (gnomAD); In silico analysis supports that this missense variant does not alter protein structure/function

Labcorp Genetics (formerly Invitae), Labcorp
Classification: Uncertain significance for Pheochromocytoma/paraganglioma syndrome 5; Mitochondrial complex II deficiency, nuclear type 1. Last evaluated: 2022-02-19. Review status: criteria provided, single submitter. Criteria: Invitae Variant Classification Sherloc (09022015). Collection method: clinical testing. Allele origin: germline.
Comment: This sequence change replaces valine, which is neutral and non-polar, with alanine, which is neutral and non-polar, at codon 630 of the SDHA protein (p.Val630Ala). The frequency data for this variant in the population databases is considered unreliable, as metrics indicate poor data quality at this position in the gnomAD database. This variant has not been reported in the literature in individuals affected with SDHA-related conditions. ClinVar contains an entry for this variant (Variation ID: 581951). Advanced modeling of protein sequence and biophysical properties (such as structural, functional, and spatial information, amino acid conservation, physicochemical variation, residue mobility, and thermodynamic stability) performed at Invitae indicates that this missense variant is not expected to disrupt SDHA protein function. In summary, the available evidence is currently insufficient to determine the role of this variant in disease. Therefore, it has been classified as a Variant of Uncertain Significance.

PreventionGenetics, part of Exact Sciences
Classification: Uncertain significance for SDHA-related condition. Last evaluated: 2024-06-03. Review status: no assertion criteria provided. Collection method: clinical testing. Allele origin: germline. Not counted in ClinVar's aggregate classification.
Comment: The SDHA c.1889T>C variant is predicted to result in the amino acid substitution p.Val630Ala. To our knowledge, this variant has not been reported in the literature. This variant is reported in 0.0015% of alleles in individuals of European (Non-Finnish) descent in gnomAD. It is interpreted as uncertain significance by multiple submitters in ClinVar. At this time, the clinical significance of this variant is uncertain due to the absence of conclusive functional and genetic evidence.

NM_004168.4(SDHA):c.1889T>C (p.Val630Ala)

Gene: SDHA (succinate dehydrogenase complex flavoprotein subunit A; plus strand). Cytogenetic location: 5p15.33.
Variant type: single nucleotide variant.
Coding change: c.1889T>C on transcript NM_004168.4 (MANE Select); coding-DNA position 1889, T replaced by C.
Protein change: p.Val630Ala; replaces valine 630 with alanine.
Molecular consequence: missense variant.
Genome position (GRCh38, 1-based): chr5:254,487, T>C. VCF-style: chr5-254487-T-C. GRCh37 (hg19) VCF-style: chr5-254602-T-C.
Other names: c.1745T>C, p.Val582Ala (NM_001294332.2); c.1646T>C, p.Val549Ala (NM_001330758.2); short protein forms V630A, V582A, V549A.
Identifiers: ClinVar variation 581951 (VCV000581951.15), dbSNP rs1392791825, ClinGen allele CA359002183.